The following is an entry in ClinVar:

NM_138694.4(PKHD1):c.6619_6620del (p.Gln2207fs)

Gene: PKHD1 (PKHD1 ciliary IPT domain containing fibrocystin/polyductin; minus strand). Cytogenetic location: 6p12.2.
Variant type: Deletion.
Coding change: c.6619_6620del on transcript NM_138694.4 (MANE Select); coding-DNA positions 6619 to 6620, 2 bases deleted (CA; older notation c.6619_6620delCA).
Protein change: p.Gln2207fs; shifts the reading frame from glutamine 2207.
Molecular consequence: frameshift variant.
Genome position (GRCh38, 1-based): chr6:51,909,345-51,909,346, TG deleted on the plus strand (CA on the coding strand, the reverse complement: PKHD1 is on the minus strand). VCF-style (leftmost placement, unchanged base first): chr6-51909344-TTG-T. GRCh37 (hg19) VCF-style: chr6-51774142-TTG-T.
Other names: c.6619_6620del, p.Gln2207fs (NM_170724.3); short protein forms Q2207fs.
Identifiers: ClinVar variation 1725528 (VCV001725528.2), dbSNP rs2536622622, ClinGen allele CA2580075473.
Genomic context (GRCh38, chr6:51,909,344, plus strand): 5'-TCTCATAGCTCCCACCAGAGTGAGTGAGCTCAGATGCTTATGGAAGGCTTGCCCCAAGAC[TTG>T]AAACTGCACTCCCTTCAACTGGACCTGGCTGGGCTCTTCTGGGAAGGACTGAACGATCAC-3'

ClinVar aggregate classification (germline): Likely pathogenic (1 of 4 stars; one submission).

Conditions:
Polycystic kidney disease 4 (PKD4). Also called: POLYCYSTIC KIDNEY AND HEPATIC DISEASE 1; POLYCYSTIC KIDNEY DISEASE, INFANTILE, TYPE I; POLYCYSTIC KIDNEY DISEASE 4 WITH OR WITHOUT POLYCYSTIC LIVER DISEASE; PKD3; Autosomal Recessive Polycystic Kidney Disease – PKHD1. Identifiers: MedGen C4540575, MONDO:0033004, OMIM 263200.

Submission:

Myriad Genetics, Inc.
Classification: Likely pathogenic for Polycystic kidney disease 4. Last evaluated: 2022-03-29. Review status: criteria provided, single submitter. Criteria: Myriad Women's Health Autosomal Recessive and X-Linked Classification Criteria (2021). Collection method: clinical testing. Allele origin: unknown.
Comment: NM_138694.3(PKHD1):c.6619_6620delCA(Q2207Sfs*8) is expected to be pathogenic in the context of autosomal recessive polycystic kidney disease, PKHD1-related. This variant is predicted to lead to an abnormal or absent protein product due to the creation of a premature termination codon in PKHD1, a gene where loss-of-function variants are known to be pathogenic. Please note: this variant was assessed in the context of healthy population screening.